The following is an entry in ClinVar:

ClinVar aggregate classification (germline): Uncertain significance. Review status: criteria provided, multiple submitters, no conflicts (2 of 4 stars). 3 submissions from 3 submitters: Uncertain significance (3). Last evaluated 2025-05-01.

Conditions:
Attention deficit-hyperactivity disorder 8 (ADHD8). Identifiers: MedGen C5677018, MONDO:0859261, OMIM 619957.
Arrhythmogenic right ventricular dysplasia, familial, 14. Also called: ARRHYTHMOGENIC RIGHT VENTRICULAR CARDIOMYOPATHY 14. Identifiers: MedGen C5394505, MONDO:0030062, OMIM 618920.
Agenesis of corpus callosum, cardiac, ocular, and genital syndrome. Identifiers: MedGen C5394523, MONDO:0030065, OMIM 618929.
Cardiovascular phenotype. Identifiers: MedGen CN230736.

Allele frequency attached by ClinVar (database versions not stated): gnomAD 0.00001; gnomAD exomes 0.00001; TOPMed 0.00001; ExAC 0.00002.
gnomAD v4.1: 21 of 1,613,632 alleles (0.0013%); highest among the groups gnomAD compares: Middle Eastern, 0.033%; no homozygotes.

Submissions (3):

Labcorp Genetics (formerly Invitae), Labcorp
Classification: Uncertain significance. Last evaluated: 2025-05-01. Review status: criteria provided, single submitter. Criteria: Invitae Variant Classification Sherloc (09022015). Collection method: clinical testing. Allele origin: germline.
Comment: This sequence change replaces glutamic acid, which is acidic and polar, with lysine, which is basic and polar, at codon 614 of the CDH2 protein (p.Glu614Lys). This variant is present in population databases (rs750540712, gnomAD 0.01%). This variant has not been reported in the literature in individuals affected with CDH2-related conditions. ClinVar contains an entry for this variant (Variation ID: 2177247). An algorithm developed to predict the effect of missense changes on protein structure and function (PolyPhen-2) suggests that this variant is likely to be disruptive. In summary, the available evidence is currently insufficient to determine the role of this variant in disease. Therefore, it has been classified as a Variant of Uncertain Significance.

Molecular Diagnostic Laboratory for Inherited Cardiovascular Disease, Montreal Heart Institute
Classification: Uncertain significance for Cardiovascular phenotype. Last evaluated: 2025-04-09. Review status: criteria provided, single submitter. Criteria: ACMG Guidelines, 2015. Collection method: clinical testing. Allele origin: germline. Affected: yes.

Juno Genomics, Hangzhou Juno Genomics, Inc
Classification: Uncertain significance for Attention deficit-hyperactivity disorder 8; Agenesis of corpus callosum, cardiac, ocular, and genital syndrome; Arrhythmogenic right ventricular dysplasia, familial, 14. Review status: criteria provided, single submitter. Criteria: ACMG Guidelines, 2015. Collection method: clinical testing. Allele origin: germline.
Comment: Absent from controls (or at extremely low frequency if recessive) in Genome Aggregation Database.

NM_001792.5(CDH2):c.1840G>A (p.Glu614Lys)

Gene: CDH2 (cadherin 2; minus strand). Cytogenetic location: 18q12.1.
Variant type: single nucleotide variant.
Coding change: c.1840G>A on transcript NM_001792.5 (MANE Select); coding-DNA position 1840, G replaced by A.
Protein change: p.Glu614Lys; replaces glutamic acid 614 with lysine.
Molecular consequence: missense variant.
Genome position (GRCh38, 1-based): chr18:27,985,663, C>T on the plus strand (G>A on the coding strand, the complement: CDH2 is on the minus strand). VCF-style: chr18-27985663-C-T. GRCh37 (hg19) VCF-style: chr18-25565627-C-T.
Other names: c.1747G>A, p.Glu583Lys (NM_001308176.2); short protein forms E614K, E583K.
Identifiers: ClinVar variation 2177247 (VCV002177247.7), dbSNP rs750540712, ClinGen allele CA8923289.